The following is an entry in ClinVar:

NM_000489.6(ATRX):c.243G>A (p.Arg81=)

Gene: ATRX (ATRX chromatin remodeler; minus strand). Cytogenetic location: Xq21.1.
Variant type: single nucleotide variant.
Coding change: c.243G>A on transcript NM_000489.6 (MANE Select); coding-DNA position 243, G replaced by A.
Protein change: p.Arg81=; no amino-acid change (arginine 81 retained).
Molecular consequence: synonymous variant.
Genome position (GRCh38, 1-based): chrX:77,696,704, C>T on the plus strand (G>A on the coding strand, the complement: ATRX is on the minus strand). VCF-style: chrX-77696704-C-T. GRCh37 (hg19) VCF-style: chrX-76952192-C-T.
Other names: c.243G>A, p.Arg81= (NM_138270.5).
Identifiers: ClinVar variation 4702346 (VCV004702346.1).

ClinVar aggregate classification (germline): Uncertain significance (1 of 4 stars; one submission).

Conditions:
Alpha thalassemia-X-linked intellectual disability syndrome (ATRX). Also called: ALPHA-THALASSEMIA/MENTAL RETARDATION SYNDROME, X-LINKED; ATR, NONDELETION TYPE; ATR-X syndrome; Alpha thalassemia mental retardation syndrome, nondeletion type, X-linked; XLMR hypotonic face syndrome; X-linked alpha-thalassemia-mental retardation syndrome. Identifiers: Orphanet 847, MedGen C1845055, MONDO:0010519, OMIM 301040.

gnomAD v4.1: 10 of 1,192,687 alleles (0.00084%); highest among the groups gnomAD compares: Non-Finnish European, 0.0011%; no homozygotes.

Submission:

Labcorp Genetics (formerly Invitae), Labcorp
Classification: Uncertain significance for Alpha thalassemia-X-linked intellectual disability syndrome. Last evaluated: 2025-12-21. Review status: criteria provided, single submitter. Criteria: Invitae Variant Classification Sherloc (09022015). Collection method: clinical testing. Allele origin: germline.
Comment: This sequence change affects codon 81 of the ATRX mRNA. It is a 'silent' change, meaning that it does not change the encoded amino acid sequence of the ATRX protein. It affects a nucleotide within the consensus splice site. This variant is not present in population databases (gnomAD no frequency). This variant has not been reported in the literature in individuals affected with ATRX-related conditions. Algorithms developed to predict the effect of sequence changes on RNA splicing suggest that this variant is not likely to affect RNA splicing. In summary, the available evidence is currently insufficient to determine the role of this variant in disease. Therefore, it has been classified as a Variant of Uncertain Significance.